The following is an entry in ClinVar:

NM_024824.5(ZC3H14):c.1137G>C (p.Gln379His)

Gene: ZC3H14 (zinc finger CCCH-type containing 14; plus strand). Cytogenetic location: 14q31.3.
Variant type: single nucleotide variant.
Coding change: c.1137G>C on transcript NM_024824.5 (MANE Select); coding-DNA position 1137, G replaced by C.
Protein change: p.Gln379His; replaces glutamine 379 with histidine.
Molecular consequence: missense variant. On other transcripts: non-coding transcript variant (1), intron variant (2).
Genome position (GRCh38, 1-based): chr14:88,577,998, G>C. VCF-style: chr14-88577998-G-C. GRCh37 (hg19) VCF-style: chr14-89044342-G-C.
Other names: c.1137G>C, p.Gln379His (NM_001160103.2, NM_001160104.2, NM_001326295.2 and 7 more transcripts); c.1035G>C, p.Gln345His (NM_001326297.2, NM_001326301.2, NM_001326303.2 and 3 more transcripts); c.672G>C, p.Gln224His (NM_001326300.2, NM_001326302.2, NM_001326304.2 and 5 more transcripts); c.1123+2058G>C (NM_001326313.2, NM_001326306.2); short protein forms Q224H, Q345H, Q379H.
Identifiers: ClinVar variation 4883010 (VCV004883010.2).

ClinVar aggregate classification (germline): Uncertain significance (1 of 4 stars; one submission).

Conditions:
Intellectual developmental disorder, autosomal recessive 56. Also called: Intellectual disability, autosomal recessive 56. Identifiers: MedGen C4310703, MONDO:0014930, OMIM 617125.

Submission:

Dasa
Classification: Uncertain significance for Intellectual developmental disorder, autosomal recessive 56. Last evaluated: 2026-04-26. Review status: criteria provided, single submitter. Criteria: DASA Assertion Criteria. Collection method: clinical testing. Allele origin: germline.
Comment: NM_024824.5(ZC3H14):c.1137G>C (p.Gln379His) is a missense variant that results in the substitution of glutamine with histidine. This variant is rare in population databases. The currently available literature and clinical evidence are not sufficient to establish a definitive association between this variant and the reported condition. Therefore, this variant is classified as a variant of uncertain significance.